The following is an entry in ClinVar:

NM_139281.3(WDR36):c.889G>T (p.Ala297Ser)

Gene: WDR36 (WD repeat domain 36; plus strand). Cytogenetic location: 5q22.1.
Variant type: single nucleotide variant.
Coding change: c.889G>T on transcript NM_139281.3 (MANE Select); coding-DNA position 889, G replaced by T.
Protein change: p.Ala297Ser; replaces alanine 297 with serine.
Molecular consequence: missense variant.
Genome position (GRCh38, 1-based): chr5:111,104,335, G>T. VCF-style: chr5-111104335-G-T. GRCh37 (hg19) VCF-style: chr5-110440034-G-T.
Other names: short protein forms A297S.
Identifiers: ClinVar variation 1685213 (VCV001685213.2), dbSNP rs142687756, ClinGen allele CA3365460.

ClinVar aggregate classification (germline): Uncertain significance. Review status: criteria provided, multiple submitters, no conflicts (2 of 4 stars). 2 submissions from 2 submitters: Uncertain significance (2). Last evaluated 2025-12-13.

Allele frequency attached by ClinVar (database versions not stated): 1000 Genomes Project 30x 0.00016; 1000 Genomes Project 0.00020; gnomAD 0.00045; TOPMed 0.00069; ESP Exome Variant Server 0.00108.
gnomAD v4.1: 1,725 of 1,611,752 alleles (0.11%); highest among the groups gnomAD compares: Non-Finnish European, 0.14%; 2 homozygotes.

Submissions (2):

Labcorp Genetics (formerly Invitae), Labcorp
Classification: Uncertain significance. Last evaluated: 2025-12-13. Review status: criteria provided, single submitter. Criteria: Invitae Variant Classification Sherloc (09022015). Collection method: clinical testing. Allele origin: germline.
Comment: This sequence change replaces alanine, which is neutral and non-polar, with serine, which is neutral and polar, at codon 353 of the WDR36 protein (p.Ala353Ser). This variant is present in population databases (rs142687756, gnomAD 0.09%), and has an allele count higher than expected for a pathogenic variant. This missense change has been observed in individual(s) with adult-onset primary open angle glaucoma (PMID: 16723468, 17353431). ClinVar contains an entry for this variant (Variation ID: 1685213). Invitae Evidence Modeling of protein sequence and biophysical properties (such as structural, functional, and spatial information, amino acid conservation, physicochemical variation, residue mobility, and thermodynamic stability) indicates that this missense variant is not expected to disrupt WDR36 protein function with a negative predictive value of 80%. In summary, the available evidence is currently insufficient to determine the role of this variant in disease. Therefore, it has been classified as a Variant of Uncertain Significance.

Mendelics
Classification: Uncertain significance. Last evaluated: 2022-05-04. Review status: criteria provided, single submitter. Criteria: Mendelics Assertion Criteria 2019. Collection method: clinical testing. Allele origin: germline.

Literature cited by the submitters: PubMed 16723468 (cited by Labcorp Genetics (formerly Invitae), Labcorp); PubMed 17353431 (cited by Labcorp Genetics (formerly Invitae), Labcorp).